The following is an entry in ClinVar:

NC_000015.9:g.(?_55497705)_(55790527_?)del

Genes: CCPG1 (cell cycle progression 1; minus strand), DNAAF4 (dynein axonemal assembly factor 4; minus strand), PIERCE2 (piercer of microtubule wall 2; plus strand), PIGB (phosphatidylinositol glycan anchor biosynthesis class B; plus strand), RAB27A (RAB27A, member RAS oncogene family; minus strand). Cytogenetic location: 15q21.3.
Variant type: Deletion.
Identifiers: ClinVar variation 2425233 (VCV002425233.3).

ClinVar aggregate classification (germline): Pathogenic (1 of 4 stars; one submission).

Submission:

Labcorp Genetics (formerly Invitae), Labcorp
Classification: Pathogenic. Last evaluated: 2022-09-04. Review status: criteria provided, single submitter. Criteria: Invitae Variant Classification Sherloc (09022015). Collection method: clinical testing. Allele origin: germline.
Comment: A gross deletion of the genomic region encompassing the full coding sequence of the PIGB gene has been identified. Loss-of-function variants in PIGB are known to be pathogenic (PMID: 31256876, 34400385). The boundaries of this event are unknown as they extend beyond the assayed region for this gene and therefore may encompass additional genes. This variant has not been reported in the literature in individuals affected with PIGB-related conditions. For these reasons, this variant has been classified as Pathogenic.

Literature cited by the submitters: PubMed 31256876; PubMed 34400385.